The following is an entry in ClinVar:

ClinVar aggregate classification (germline): Uncertain significance. Review status: criteria provided, multiple submitters, no conflicts (2 of 4 stars). 3 submissions from 3 submitters: Uncertain significance (2). 1 of the submissions does not count toward it. Last evaluated 2025-12-29.

Conditions:
Cardiovascular phenotype. Identifiers: MedGen CN230736.
DiGeorge syndrome. Also called: Catch22; THIRD AND FOURTH PHARYNGEAL POUCH SYNDROME. Identifiers: Orphanet 567, MedGen C0012236, MONDO:0008564, OMIM 188400.
Hypoplastic left heart syndrome. Also called: Hypoplastic left ventricle; Hypoplastic left heart. Identifiers: Orphanet 2248, MedGen C0152101, MONDO:0004933, HP:0004383.

Allele frequency attached by ClinVar (database versions not stated): ExAC 0.00001; gnomAD 0.00005 and 0.00006; TOPMed 0.00010; 1000 Genomes Project 30x 0.00016; 1000 Genomes Project 0.00020.

Submissions (3):

Labcorp Genetics (formerly Invitae), Labcorp
Classification: Uncertain significance for DiGeorge syndrome. Last evaluated: 2025-12-29. Review status: criteria provided, single submitter. Criteria: Invitae Variant Classification Sherloc (09022015). Collection method: clinical testing. Allele origin: germline.
Comment: This sequence change replaces glycine, which is neutral and non-polar, with arginine, which is basic and polar, at codon 483 of the TBX1 protein (p.Gly483Arg). The frequency data for this variant in the population databases is considered unreliable, as metrics indicate poor data quality at this position in the gnomAD database. This variant has not been reported in the literature in individuals affected with TBX1-related conditions. This missense change has been observed in at least one individual who was not affected with TBX1-related conditions (internal data). ClinVar contains an entry for this variant (Variation ID: 560627). An algorithm developed to predict the effect of missense changes on protein structure and function (PolyPhen-2) suggests that this variant is likely to be disruptive. In summary, the available evidence is currently insufficient to determine the role of this variant in disease. Therefore, it has been classified as a Variant of Uncertain Significance.

Ambry Genetics
Classification: Uncertain significance for Cardiovascular phenotype. Last evaluated: 2024-01-27. Review status: criteria provided, single submitter. Criteria: Ambry Variant Classification Scheme 2023. Collection method: clinical testing. Allele origin: germline.
Comment: The p.G483R variant (also known as c.1447G>A), located in coding exon 8 of the TBX1 gene, results from a G to A substitution at nucleotide position 1447. The glycine at codon 483 is replaced by arginine, an amino acid with dissimilar properties. This amino acid position is conserved. In addition, this alteration is predicted to be tolerated by in silico analysis. Since supporting evidence is limited at this time, the clinical significance of this alteration remains unclear.

Clinical Molecular Genetics Laboratory, Johns Hopkins All Children's Hospital
Classification: Uncertain significance for Hypoplastic left heart syndrome. Last evaluated: 2017-01-20. Review status: no assertion criteria provided. Collection method: clinical testing. Allele origin: germline. Affected: yes. Not counted in ClinVar's aggregate classification.

NM_001379200.1(TBX1):c.1474G>A (p.Gly492Arg)

Gene: TBX1 (T-box transcription factor 1; plus strand). Cytogenetic location: 22q11.21.
Variant type: single nucleotide variant.
Coding change: c.1474G>A on transcript NM_001379200.1 (MANE Select); coding-DNA position 1474, G replaced by A.
Protein change: p.Gly492Arg; replaces glycine 492 with arginine.
Molecular consequence: missense variant. On other transcripts: intron variant (2).
Genome position (GRCh38, 1-based): chr22:19,766,826, G>A. VCF-style: chr22-19766826-G-A. GRCh37 (hg19) VCF-style: chr22-19754349-G-A.
Other names: c.1447G>A, p.Gly483Arg (NM_080647.1); c.1009+824G>A (NM_005992.1, NM_080646.2); short protein forms G483R, G492R.
Identifiers: ClinVar variation 560627 (VCV000560627.13), dbSNP rs541198585, ClinGen allele CA10102776.